The following is an entry in ClinVar:

ClinVar aggregate classification (germline): Uncertain significance (1 of 4 stars; one submission).

Allele frequency attached by ClinVar (database versions not stated): gnomAD exomes below 0.00001 and 0.00003; ExAC 0.00001.
gnomAD v4.1: 49 of 1,613,790 alleles (0.003%); highest among the groups gnomAD compares: Non-Finnish European, 0.0042%; no homozygotes.

Submission:

Labcorp Genetics (formerly Invitae), Labcorp
Classification: Uncertain significance. Last evaluated: 2021-11-24. Review status: criteria provided, single submitter. Criteria: Invitae Variant Classification Sherloc (09022015). Collection method: clinical testing. Allele origin: germline.
Comment: In summary, the available evidence is currently insufficient to determine the role of this variant in disease. Therefore, it has been classified as a Variant of Uncertain Significance. Algorithms developed to predict the effect of missense changes on protein structure and function output the following: SIFT: "Tolerated"; PolyPhen-2: "Benign"; Align-GVGD: "Class C0". The aspartic acid amino acid residue is found in multiple mammalian species, which suggests that this missense change does not adversely affect protein function. This sequence change replaces alanine, which is neutral and non-polar, with aspartic acid, which is acidic and polar, at codon 168 of the GJB3 protein (p.Ala168Asp). This variant is present in population databases (rs779723678, gnomAD 0.0009%). This variant has not been reported in the literature in individuals affected with GJB3-related conditions.

NM_024009.3(GJB3):c.503C>A (p.Ala168Asp)

Gene: GJB3 (gap junction protein beta 3; plus strand). Cytogenetic location: 1p34.3.
Variant type: single nucleotide variant.
Coding change: c.503C>A on transcript NM_024009.3 (MANE Select); coding-DNA position 503, C replaced by A.
Protein change: p.Ala168Asp; replaces alanine 168 with aspartic acid.
Molecular consequence: missense variant.
Genome position (GRCh38, 1-based): chr1:34,785,265, C>A. VCF-style: chr1-34785265-C-A. GRCh37 (hg19) VCF-style: chr1-35250866-C-A.
Other names: c.503C>A, p.Ala168Asp (NM_001005752.2); short protein forms A168D.
Identifiers: ClinVar variation 1511633 (VCV001511633.6), dbSNP rs779723678, ClinGen allele CA754847.
Genomic context (GRCh38, chr1:34,785,265, plus strand): 5'-TGCTGCACACTCTCTGGCATGGCTTCAATATGCCGCGCCTGGTGCAGTGTGCCAACGTGG[C>A]CCCCTGCCCCAACATCGTGGACTGCTACATTGCCCGACCTACCGAGAAGAAAATCTTCAC-3'
Protein context (NP_076872.1, residues 158-178): MPRLVQCANV[Ala168Asp]PCPNIVDCYI